The following is an entry in ClinVar:

NM_001165963.4(SCN1A):c.1696C>T (p.Pro566Ser)

Gene: SCN1A (sodium voltage-gated channel alpha subunit 1; minus strand). Cytogenetic location: 2q24.3.
Variant type: single nucleotide variant.
Coding change: c.1696C>T on transcript NM_001165963.4 (MANE Select); coding-DNA position 1696, C replaced by T.
Protein change: p.Pro566Ser; replaces proline 566 with serine.
Molecular consequence: missense variant. On other transcripts: 5 prime UTR variant (1), non-coding transcript variant (1).
Genome position (GRCh38, 1-based): chr2:166,044,016, G>A on the plus strand (C>T on the coding strand, the complement: SCN1A is on the minus strand). VCF-style: chr2-166044016-G-A. GRCh37 (hg19) VCF-style: chr2-166900526-G-A.
Other names: c.1696C>T, p.Pro566Ser (NM_001165964.3, NM_001202435.3, NM_001353948.2 and 7 more transcripts); c.1693C>T, p.Pro565Ser (NM_001353954.2, NM_001353955.2, NM_001353960.2); c.-730C>T (NM_001353961.2); c.1696C>T (NM_001165963.1); short protein forms P566S, P565S.
Identifiers: ClinVar variation 291082 (VCV000291082.6), dbSNP rs886044645, ClinGen allele CA10607011.

ClinVar aggregate classification (germline): Uncertain significance. Review status: criteria provided, multiple submitters, no conflicts (2 of 4 stars). 2 submissions from 2 submitters: Uncertain significance (2). Last evaluated 2024-12-19.

Allele frequency attached by ClinVar (database versions not stated): gnomAD exomes below 0.00001 and 0.00001.
gnomAD v4.1: 2 of 1,614,122 alleles (0.00012%); highest among the groups gnomAD compares: Admixed American, 0.0033%; no homozygotes.

Submissions (2):

GeneDx
Classification: Uncertain significance. Last evaluated: 2024-12-19. Review status: criteria provided, single submitter. Criteria: GeneDx Variant Classification Process June 2021. Collection method: clinical testing. Allele origin: germline. Affected: yes.
Comment: Reported in an infant with febrile seizures in published literature (PMID: 27236449); In silico analysis supports that this missense variant has a deleterious effect on protein structure/function; This substitution is predicted to be within the cytoplasmic loop between the first and second homologous domains; This variant is associated with the following publications: (PMID: 27236449)

Eurofins Ntd Llc (ga)
Classification: Uncertain significance. Last evaluated: 2016-09-01. Review status: criteria provided, single submitter. Criteria: EGL Classification Definitions 2015. Collection method: clinical testing. Allele origin: germline. Observed: 1 variant allele, 1 heterozygote.